The following is an entry in ClinVar:

ClinVar aggregate classification (germline): Conflicting classifications of pathogenicity. Review status: criteria provided, conflicting classifications (1 of 4 stars). 14 submissions from 14 submitters: Uncertain significance (9); Likely benign (2). 3 of the submissions do not count toward it. Last evaluated 2026-10-01.

Conditions:
Pediatric high-grade glioma. Identifiers: MedGen C5908419, MONDO:1010030.
Colorectal cancer, susceptibility to, 12 (CRCS12). Also called: COLORECTAL CANCER, SUSCEPTIBILITY TO, ON CHROMOSOME 12q24. Identifiers: Orphanet 220460, MedGen C3554460, MONDO:0014038, OMIM 615083.
Malignant tumor of breast. Also called: Malignant breast neoplasm; Cancer breast. Identifiers: MedGen C0006142, MONDO:0007254. Disease mechanism: loss of function.
Hereditary cancer-predisposing syndrome. Also called: Tumor predisposition; Neoplastic Syndromes, Hereditary; Hereditary neoplastic syndrome; Hereditary Cancer Syndrome. Identifiers: Orphanet 140162, MedGen C0027672, MeSH D009386, MONDO:0015356.
POLE-related disorder. Also called: POLE-related disorders; POLE-related condition.

Allele frequency attached by ClinVar (database versions not stated): gnomAD 0.00011; ExAC 0.00012; gnomAD exomes 0.00013; TOPMed 0.00019; 1000 Genomes Project 0.00020; 1000 Genomes Project 30x 0.00031.
gnomAD v4.1: 189 of 1,613,342 alleles (0.012%); highest among the groups gnomAD compares: Middle Eastern, 0.083%; no homozygotes.

Submissions (14):

St. Jude Molecular Pathology, St. Jude Children's Research Hospital
Classification: Uncertain significance for Colorectal cancer, susceptibility to, 12. Last evaluated: 2026-10-01. Review status: criteria provided, single submitter. Criteria: St. Jude Assertion Criteria 2020. Collection method: clinical testing. Allele origin: germline.
Comment: The POLE c.4169G>A p.(Arg1390His) missense change has a maximum subpopulation frequency of 0.02% in gnomAD v2.1.1. The in silico tool REVEL predicts a benign effect on protein function, but to our knowledge this prediction has not been confirmed by fu nctional studies. To our knowledge, this variant has not been reported in the literature in individuals with POLE-related disease. In summary, the evidence currently available is insufficient to determine the clinical significance of this variant. It has therefore been classified as of uncertain significance.

Labcorp Genetics (formerly Invitae), Labcorp
Classification: Likely benign. Last evaluated: 2026-01-28. Review status: criteria provided, single submitter. Criteria: Invitae Variant Classification Sherloc (09022015). Collection method: clinical testing. Allele origin: germline.

CeGaT Center for Human Genetics Tuebingen
Classification: Uncertain significance. Last evaluated: 2026-01-01. Review status: criteria provided, single submitter. Criteria: CeGaT Center For Human Genetics Tuebingen Variant Classification Criteria Version 2. Collection method: clinical testing. Allele origin: germline. Affected: yes. Observed: 2 variant alleles.

ARUP Laboratories, Molecular Genetics and Genomics, ARUP Laboratories
Classification: Uncertain significance. Last evaluated: 2025-05-22. Review status: criteria provided, single submitter. Criteria: ARUP Molecular Germline Variant Investigation Process 2024. Collection method: clinical testing. Allele origin: germline.
Comment: The POLE c.4169G>A; p.Arg1390His variant (rs200776293, ClinVar Variation ID: 374972) is reported in the literature in individuals affected with various cancers (Mur 2020, Muskens 2020, Zhu 2020) and sometimes in combination with variants of other cancer predisposition genes (Adamson 2023, Velazquez 2020). This variant is found in the general population with an overall allele frequency of 0.013% (36/282,350 alleles) in the Genome Aggregation Database (v2.1.1). Computational analyses are uncertain whether this variant is neutral or deleterious (REVEL: 0.212). Due to limited information, the clinical significance of this variant is uncertain at this time. References: Adamson AW et al. Genomic analyses of germline and somatic variation in high-grade serous ovarian cancer. J Ovarian Res. 2023 Jul 17;16(1):141. PMID: 37460928 Mur P et al. Role of POLE and POLD1 in familial cancer. Genet Med. 2020 Dec;22(12):2089-2100. PMID: 32792570. Muskens IS et al. Germline cancer predisposition variants and pediatric glioma: a population-based study in California. Neuro Oncol. 2020 Jun 9;22(6):864-874. PMID: 31970404. Velazquez C et al. A comprehensive custom panel evaluation for routine hereditary cancer testing: improving the yield of germline mutation detection. J Transl Med. 2020 Jun 10;18(1):232. PMID: 32522261. Zhu Q et al. Whole-exome sequencing of ovarian cancer families uncovers putative predisposition genes. Int J Cancer. 2020 Apr 15;146(8):2147-2155. PMID: 31265121.

GeneDx
Classification: Uncertain significance. Last evaluated: 2025-05-05. Review status: criteria provided, single submitter. Criteria: GeneDx Variant Classification Process June 2021. Collection method: clinical testing. Allele origin: germline. Affected: yes.
Comment: In silico analysis supports that this missense variant has a deleterious effect on protein structure/function; Observed in individuals with a personal history of ovarian cancer, breast cancer, melanoma, or astrocytoma (PMID: 28873162, 32522261, 32792570, 31970404, 31265121, 37460928); This variant is associated with the following publications: (PMID: 32522261, 35793867, 32792570, 31970404, 28873162, 31265121, 37460928, 33057194, 35982159)

Center for Genomic Medicine, Rigshospitalet, Copenhagen University Hospital
Classification: Uncertain significance. Last evaluated: 2025-03-04. Review status: criteria provided, single submitter. Criteria: ACMG Guidelines, 2015. Collection method: clinical testing. Allele origin: germline.

Ambry Genetics
Classification: Uncertain significance for Hereditary cancer-predisposing syndrome. Last evaluated: 2024-12-06. Review status: criteria provided, single submitter. Criteria: Ambry Variant Classification Scheme 2023. Collection method: clinical testing. Allele origin: germline.
Comment: The p.R1390H variant (also known as c.4169G>A), located in coding exon 33 of the POLE gene, results from a G to A substitution at nucleotide position 4169. The arginine at codon 1390 is replaced by histidine, an amino acid with highly similar properties. This amino acid position is highly conserved in available vertebrate species. In addition, the in silico prediction for this alteration is inconclusive. Based on the available evidence, the clinical significance of this variant remains unclear.

Women's Health and Genetics/Laboratory Corporation of America, LabCorp
Classification: Uncertain significance. Last evaluated: 2023-10-24. Review status: criteria provided, single submitter. Criteria: LabCorp Variant Classification Summary - May 2015. Collection method: clinical testing. Allele origin: germline.
Comment: Variant summary: POLE c.4169G>A (p.Arg1390His) results in a non-conservative amino acid change in the encoded protein sequence. Three of five in-silico tools predict a benign effect of the variant on protein function. The variant allele was found at a frequency of 0.00013 in 250948 control chromosomes, predominantly at a frequency of 0.0002 within the Latino subpopulation in the gnomAD database. The available data on variant occurrences in the general population are insufficient to allow any conclusion about variant significance. c.4169G>A has been reported in the literature in individuals affected with Hereditary Breast and Ovarian Cancer, Hereditary Non-Polyposis Colon Cancer, Anaplastic Astrocytoma, and unspecified cancer, without strong evidence for causality (example, Velazquez_2020, Zhu_2020, Muskens_2020, Mur_2020). These report(s) do not provide unequivocal conclusions about association of the variant with Colorectal Cancer. To our knowledge, no experimental evidence demonstrating an impact on protein function has been reported. The following publications have been ascertained in the context of this evaluation (PMID: 32792570, 31970404, 32522261, 31265121). Eight submitters have cited clinical-significance assessments for this variant to ClinVar after 2014. Multiple submitters reported the variant with conflicting assessments (VUS, n=6; Likely benign, n=2). Based on the evidence outlined above, the variant was classified as uncertain significance.

Sema4
Classification: Likely benign for Hereditary cancer-predisposing syndrome. Last evaluated: 2020-12-10. Review status: criteria provided, single submitter. Criteria: Sema4 Curation Guidelines. Collection method: curation. Allele origin: germline.

Quest Diagnostics Nichols Institute San Juan Capistrano
Classification: Uncertain significance. Last evaluated: 2018-01-03. Review status: criteria provided, single submitter. Criteria: Quest Diagnostics criteria. Collection method: clinical testing. Allele origin: germline.

Laboratory of Medical Genetics Unit, Bambino Gesù Children's Hospital
Classification: Uncertain significance for Pediatric high-grade glioma. Review status: criteria provided, single submitter. Criteria: ACMG Guidelines, 2015. Collection method: research. Allele origin: germline. Affected: yes. Observed: 1 heterozygote.

PreventionGenetics, part of Exact Sciences
Classification: Uncertain significance for POLE-related condition. Last evaluated: 2024-05-12. Review status: no assertion criteria provided. Collection method: clinical testing. Allele origin: germline. Not counted in ClinVar's aggregate classification.
Comment: The POLE c.4169G>A variant is predicted to result in the amino acid substitution p.Arg1390His. This variant has been reported in association with cancer and interpreted as a variant of uncertain significance (example, supppl. Table 1. Velázquez et al 2020. PubMed ID: 32522261). This variant is reported in 0.077% of alleles in individuals of Ashkenazi Jewish descent in gnomAD. This variant is interpreted as a variant of uncertain significance and likely benign in ClinVar. At this time, the clinical significance of this variant is uncertain due to the absence of conclusive functional and genetic evidence.

Knight Diagnostic Laboratories, Oregon Health and Sciences University
Classification: Uncertain significance for Colorectal cancer, susceptibility to, 12. Last evaluated: 2016-03-30. Review status: no assertion criteria provided. Criteria: ACMG Guidelines, 2015. Collection method: clinical testing. Allele origin: germline. Affected: no. Study: CSER-NextGen. Not counted in ClinVar's aggregate classification.

Department of Pathology and Laboratory Medicine, Sinai Health System
Classification: Uncertain significance for Malignant tumor of breast. Review status: no assertion criteria provided. Collection method: clinical testing. Allele origin: unknown. Affected: yes. Study: The Canadian Open Genetics Repository (COGR). Not counted in ClinVar's aggregate classification.
Comment: The POLE p.Arg1390His variant was not identified in the literature nor was it identified in the Cosmic or MutDB databases. The variant was identified in dbSNP (ID: rs200776293) as â€šÃ„ÃºWith Uncertain significance alleleâ€šÃ„Ã¹, ClinVar (as uncertain significance by Knight Diagnostic, Invitae, GeneDx, and Ambry Genetics), and Clinvitae (3x). The variant was identified in control databases in 34 of 276722 chromosomes at a frequency of 0.0001 increasing the likelihood this could be a low frequency benign variant (Genome Aggregation Database Feb 27, 2017). The variant was observed in the following populations: African in 2 of 24028 chromosomes (freq: 0.000083), Other in 4 of 6452 chromosomes (freq: 0.00062), Latino in 7 of 34346 chromosomes (freq: 0.000204), European (Non-Finnish) in 13 of 126410 chromosomes (freq: 0.000103), Ashkenazi Jewish in 7 of 10114 chromosomes (freq: 0.000692), and South Asian in 1 of 30712 chromosomes (freq: 0.000033); it was not observed in the East Asian or Finnish populations. The variant occurs outside of the splicing consensus sequence and in silico or computational prediction software programs (SpliceSiteFinder, MaxEntScan, NNSPLICE, GeneSplicer, HumanSpliceFinder) do not predict a difference in splicing. The p.Arg1390 residue is conserved in mammals but not in more distantly related organisms however four out of five computational analyses (PolyPhen-2, SIFT, AlignGVGD, BLOSUM, MutationTaster) do not suggest a high likelihood of impact to the protein; this information is not predictive enough to rule out pathogenicity. In summary, based on the above information the clinical significance of this variant cannot be determined with certainty at this time. This variant is classified as a variant of uncertain significance.

Literature cited by the submitters: PubMed 31265121 (cited by Women's Health and Genetics/Laboratory Corporation of America, LabCorp); PubMed 31970404 (cited by Women's Health and Genetics/Laboratory Corporation of America, LabCorp); PubMed 32792570 (cited by Women's Health and Genetics/Laboratory Corporation of America, LabCorp); PubMed 32522261 (cited by Women's Health and Genetics/Laboratory Corporation of America, LabCorp).

NM_006231.4(POLE):c.4169G>A (p.Arg1390His)

Gene: POLE (DNA polymerase epsilon, catalytic subunit; minus strand). Cytogenetic location: 12q24.33.
Variant type: single nucleotide variant.
Coding change: c.4169G>A on transcript NM_006231.4 (MANE Select); coding-DNA position 4169, G replaced by A.
Protein change: p.Arg1390His; replaces arginine 1390 with histidine.
Molecular consequence: missense variant.
Genome position (GRCh38, 1-based): chr12:132,643,958, C>T on the plus strand (G>A on the coding strand, the complement: POLE is on the minus strand). VCF-style: chr12-132643958-C-T. GRCh37 (hg19) VCF-style: chr12-133220544-C-T.
Other names: short protein forms R1390H.
Identifiers: ClinVar variation 374972 (VCV000374972.69), dbSNP rs200776293, ClinGen allele CA6892957.